The following is an entry in ClinVar:

ClinVar aggregate classification (germline): Uncertain significance (1 of 4 stars; one submission).

Conditions:
Charcot-Marie-Tooth disease type 4. Also called: Charcot-Marie-Tooth disease, type IV; Charcot-Marie-Tooth, Type 4. Identifiers: Orphanet 64749, MedGen C4082197, MONDO:0018995.

Allele frequency attached by ClinVar (database versions not stated): gnomAD exomes 0.00001 and 0.00003; ExAC 0.00003; TOPMed 0.00007; gnomAD 0.00009; 1000 Genomes Project 30x 0.00016; 1000 Genomes Project 0.00020.
gnomAD v4.1: 26 of 1,587,058 alleles (0.0016%); highest among the groups gnomAD compares: African/African-American, 0.024%; no homozygotes.

Submission:

Labcorp Genetics (formerly Invitae), Labcorp
Classification: Uncertain significance for Charcot-Marie-Tooth disease type 4. Last evaluated: 2021-11-30. Review status: criteria provided, single submitter. Criteria: Invitae Variant Classification Sherloc (09022015). Collection method: clinical testing. Allele origin: germline.
Comment: This sequence change falls in intron 3 of the MTMR2 gene. It does not directly change the encoded amino acid sequence of the MTMR2 protein. It affects a nucleotide within the consensus splice site. This variant is present in population databases (rs553551578, gnomAD 0.04%). This variant has not been reported in the literature in individuals affected with MTMR2-related conditions. Variants that disrupt the consensus splice site are a relatively common cause of aberrant splicing (PMID: 17576681, 9536098). Algorithms developed to predict the effect of sequence changes on RNA splicing suggest that this variant is not likely to affect RNA splicing. In summary, the available evidence is currently insufficient to determine the role of this variant in disease. Therefore, it has been classified as a Variant of Uncertain Significance.

Literature cited by the submitters: PubMed 17576681; PubMed 9536098.

NM_016156.6(MTMR2):c.263-3C>T

Gene: MTMR2 (myotubularin related protein 2; minus strand). Cytogenetic location: 11q21.
Variant type: single nucleotide variant.
Coding change: c.263-3C>T on transcript NM_016156.6 (MANE Select); 3 bases into the intron before coding-DNA position 263, C replaced by T.
Molecular consequence: intron variant.
Genome position (GRCh38, 1-based): chr11:95,862,369, G>A on the plus strand (C>T on the coding strand, the complement: MTMR2 is on the minus strand). VCF-style: chr11-95862369-G-A. GRCh37 (hg19) VCF-style: chr11-95595533-G-A.
Other names: c.47-3C>T (NM_201281.3, NM_201278.3, NM_001243571.2).
Identifiers: ClinVar variation 1413093 (VCV001413093.3), dbSNP rs553551578, ClinGen allele CA6240391.